The following is an entry in ClinVar:

ClinVar aggregate classification (germline): Uncertain significance. Review status: criteria provided, multiple submitters, no conflicts (2 of 4 stars). 2 submissions from 2 submitters: Uncertain significance (2). Last evaluated 2023-08-23.

Conditions:
Charcot-Marie-Tooth disease type 4A. Also called: Charcot-Marie-Tooth disease, demyelinating, autosomal recessive, type 4a. Identifiers: Orphanet 99948, MedGen C1859198, MONDO:0008961, OMIM 214400.

Allele frequency attached by ClinVar (database versions not stated): TOPMed below 0.00001.

Submissions (2):

Women's Health and Genetics/Laboratory Corporation of America, LabCorp
Classification: Uncertain significance. Last evaluated: 2023-08-23. Review status: criteria provided, single submitter. Criteria: LabCorp Variant Classification Summary - May 2015. Collection method: clinical testing. Allele origin: germline.
Comment: Variant summary: GDAP1 c.25A>G (p.Arg9Gly) results in a non-conservative amino acid change in the encoded protein sequence. Three of five in-silico tools predict a benign effect of the variant on protein function. The variant was absent in 250106 control chromosomes. The available data on variant occurrences in the general population are insufficient to allow any conclusion about variant significance. To our knowledge, no occurrence of c.25A>G in individuals affected with Charcot-Marie Disease Type 4A and no experimental evidence demonstrating its impact on protein function have been reported. No submitters have cited clinical-significance assessments for this variant to ClinVar after 2014. Based on the evidence outlined above, the variant was classified as uncertain significance.

Labcorp Genetics (formerly Invitae), Labcorp
Classification: Uncertain significance for Charcot-Marie-Tooth disease type 4A. Last evaluated: 2022-11-28. Review status: criteria provided, single submitter. Criteria: Invitae Variant Classification Sherloc (09022015). Collection method: clinical testing. Allele origin: germline.
Comment: This sequence change replaces arginine, which is basic and polar, with glycine, which is neutral and non-polar, at codon 9 of the GDAP1 protein (p.Arg9Gly). This variant is not present in population databases (gnomAD no frequency). This variant has not been reported in the literature in individuals affected with GDAP1-related conditions. Algorithms developed to predict the effect of missense changes on protein structure and function output the following: SIFT: "Deleterious"; PolyPhen-2: "Benign"; Align-GVGD: "Class C0". The glycine amino acid residue is found in multiple mammalian species, which suggests that this missense change does not adversely affect protein function. In summary, the available evidence is currently insufficient to determine the role of this variant in disease. Therefore, it has been classified as a Variant of Uncertain Significance.

NM_018972.4(GDAP1):c.25A>G (p.Arg9Gly)

Genes: GDAP1 (ganglioside induced differentiation associated protein 1; plus strand), LOC130000622 (ATAC-STARR-seq lymphoblastoid active region 27542; plus strand). Cytogenetic location: 8q21.11.
Variant type: single nucleotide variant.
Coding change: c.25A>G on transcript NM_018972.4 (MANE Select); coding-DNA position 25, A replaced by G.
Protein change: p.Arg9Gly; replaces arginine 9 with glycine.
Molecular consequence: missense variant. On other transcripts: 5 prime UTR variant (2), intron variant (1).
Genome position (GRCh38, 1-based): chr8:74,350,486, A>G. VCF-style: chr8-74350486-A-G. GRCh37 (hg19) VCF-style: chr8-75262721-A-G.
Other names: c.-158A>G (NM_001362929.2); c.25A>G, p.Arg9Gly (NM_001362930.2, NM_001362931.2); c.-110A>G (NM_001362932.2); c.-64+14A>G (NM_001040875.4); short protein forms R9G.
Identifiers: ClinVar variation 2581319 (VCV002581319.4), dbSNP rs1808793958, ClinGen allele CA371499014.